The following is an entry in ClinVar:

NM_002715.4(PPP2CA):c.3G>A (p.Met1Ile)

Gene: PPP2CA (protein phosphatase 2 catalytic subunit alpha; minus strand). Cytogenetic location: 5q31.1.
Variant type: single nucleotide variant.
Coding change: c.3G>A on transcript NM_002715.4 (MANE Select); coding-DNA position 3, G replaced by A.
Protein change: p.Met1Ile; changes the start codon (methionine 1).
Molecular consequence: missense variant, initiator codon variant.
Genome position (GRCh38, 1-based): chr5:134,225,859, C>T on the plus strand (G>A on the coding strand, the complement: PPP2CA is on the minus strand). VCF-style: chr5-134225859-C-T. GRCh37 (hg19) VCF-style: chr5-133561550-C-T.
Other names: short protein forms M1I.
Identifiers: ClinVar variation 1372250 (VCV001372250.6), dbSNP rs2149390365, ClinGen allele CA360996306.
Genomic context (GRCh38, chr5:134,225,859, plus strand): 5'-CTTGCACTCGTTCAGCTGCTCGATCCACTGGTCCAGCTCCTTGGTGAACACCTTCTCGTC[C>T]ATGATGCCACCCGCCCCAGCCGGCTGCCGCTCCGCGCTGCTCCCGCGCCGCCGCCCGCAC-3'
Protein context (NP_002706.1, residues 1-11): [Met1Ile]DEKVFTKELD

ClinVar aggregate classification (germline): Pathogenic (1 of 4 stars; one submission).

Submission:

Labcorp Genetics (formerly Invitae), Labcorp
Classification: Pathogenic. Last evaluated: 2023-07-14. Review status: criteria provided, single submitter. Criteria: Invitae Variant Classification Sherloc (09022015). Collection method: clinical testing. Allele origin: germline.
Comment: For these reasons, this variant has been classified as Pathogenic. This variant disrupts a region of the PPP2CA protein in which other variant(s) (p.Cys55Phe) have been determined to be pathogenic (Invitae). This suggests that this is a clinically significant region of the protein, and that variants that disrupt it are likely to be disease-causing. This sequence change affects the initiator methionine of the PPP2CA mRNA. The next in-frame methionine is located at codon 66. This variant is not present in population databases (gnomAD no frequency). This variant has not been reported in the literature in individuals affected with PPP2CA-related conditions. ClinVar contains an entry for this variant (Variation ID: 1372250).